The following is an entry in ClinVar:

NM_015978.3(TNNI3K):c.2381C>T (p.Ser794Phe)

Genes: FPGT-TNNI3K (FPGT-TNNI3K readthrough; plus strand), TNNI3K (TNNI3 interacting kinase; plus strand). Cytogenetic location: 1p31.1.
Variant type: single nucleotide variant.
Coding change: c.2381C>T on transcript NM_015978.3 (MANE Select); coding-DNA position 2381, C replaced by T.
Protein change: p.Ser794Phe; replaces serine 794 with phenylalanine.
Molecular consequence: missense variant.
Genome position (GRCh38, 1-based): chr1:74,540,263, C>T. VCF-style: chr1-74540263-C-T. GRCh37 (hg19) VCF-style: chr1-75005947-C-T.
Other names: c.2684C>T, p.Ser895Phe (NM_001112808.3); c.2381C>T (NM_015978.2); short protein forms S895F, S794F.
Identifiers: ClinVar variation 1464354 (VCV001464354.8), dbSNP rs763953053, ClinGen allele CA909887.

ClinVar aggregate classification (germline): Uncertain significance. Review status: criteria provided, multiple submitters, no conflicts (2 of 4 stars). 3 submissions from 3 submitters: Uncertain significance (3). Last evaluated 2026-03-27.

Conditions:
Inborn genetic diseases. Identifiers: MedGen C0950123, MeSH D030342.
Cardiovascular phenotype. Identifiers: MedGen CN230736.

Allele frequency attached by ClinVar (database versions not stated): gnomAD 0.00005 and 0.00006; TOPMed 0.00011; gnomAD exomes 0.00003; ExAC 0.00005.
gnomAD v4.1: 20 of 1,612,354 alleles (0.0012%); highest among the groups gnomAD compares: African/African-American, 0.015%; no homozygotes.

Submissions (3):

Molecular Diagnostic Laboratory for Inherited Cardiovascular Disease, Montreal Heart Institute
Classification: Uncertain significance for Cardiovascular phenotype. Last evaluated: 2026-03-27. Review status: criteria provided, single submitter. Criteria: ACMG Guidelines, 2015. Collection method: clinical testing. Allele origin: germline. Affected: yes.
Comment: PM2

Labcorp Genetics (formerly Invitae), Labcorp
Classification: Uncertain significance. Last evaluated: 2025-12-15. Review status: criteria provided, single submitter. Criteria: Invitae Variant Classification Sherloc (09022015). Collection method: clinical testing. Allele origin: germline.
Comment: This sequence change replaces serine, which is neutral and polar, with phenylalanine, which is neutral and non-polar, at codon 794 of the TNNI3K protein (p.Ser794Phe). This variant is present in population databases (rs763953053, gnomAD 0.01%). This variant has not been reported in the literature in individuals affected with TNNI3K-related conditions. ClinVar contains an entry for this variant (Variation ID: 1464354). An algorithm developed to predict the effect of missense changes on protein structure and function (PolyPhen-2) suggests that this variant is likely to be disruptive. In summary, the available evidence is currently insufficient to determine the role of this variant in disease. Therefore, it has been classified as a Variant of Uncertain Significance.

Ambry Genetics
Classification: Uncertain significance for Inborn genetic diseases. Last evaluated: 2025-07-15. Review status: criteria provided, single submitter. Criteria: Ambry Variant Classification Scheme 2023. Collection method: clinical testing. Allele origin: germline.